The following is an entry in ClinVar:

ClinVar aggregate classification (germline): Uncertain significance (1 of 4 stars; one submission).

Allele frequency attached by ClinVar (database versions not stated): gnomAD exomes below 0.00001; TOPMed below 0.00001.
gnomAD v4.1: 6 of 1,614,120 alleles (0.00037%); highest among the groups gnomAD compares: South Asian, 0.0066%; no homozygotes.

Submission:

Labcorp Genetics (formerly Invitae), Labcorp
Classification: Uncertain significance. Last evaluated: 2021-11-26. Review status: criteria provided, single submitter. Criteria: Invitae Variant Classification Sherloc (09022015). Collection method: clinical testing. Allele origin: germline.
Comment: This sequence change replaces serine, which is neutral and polar, with glycine, which is neutral and non-polar, at codon 406 of the CLCN6 protein (p.Ser406Gly). This variant is present in population databases (no rsID available, gnomAD 0.003%). This variant has not been reported in the literature in individuals affected with CLCN6-related conditions. Algorithms developed to predict the effect of missense changes on protein structure and function output the following: SIFT: "Tolerated"; PolyPhen-2: "Benign"; Align-GVGD: "Class C0". The glycine amino acid residue is found in multiple mammalian species, which suggests that this missense change does not adversely affect protein function. In summary, the available evidence is currently insufficient to determine the role of this variant in disease. Therefore, it has been classified as a Variant of Uncertain Significance.

NM_001286.5(CLCN6):c.1216A>G (p.Ser406Gly)

Gene: CLCN6 (chloride voltage-gated channel 6; plus strand). Cytogenetic location: 1p36.22.
Variant type: single nucleotide variant.
Coding change: c.1216A>G on transcript NM_001286.5 (MANE Select); coding-DNA position 1216, A replaced by G.
Protein change: p.Ser406Gly; replaces serine 406 with glycine.
Molecular consequence: missense variant. On other transcripts: non-coding transcript variant (1).
Genome position (GRCh38, 1-based): chr1:11,829,290, A>G. VCF-style: chr1-11829290-A-G. GRCh37 (hg19) VCF-style: chr1-11889347-A-G.
Other names: c.1150A>G, p.Ser384Gly (NM_001256959.2); short protein forms S406G, S384G.
Identifiers: ClinVar variation 1377382 (VCV001377382.6), dbSNP rs1197387145, ClinGen allele CA338432080.